The following is an entry in ClinVar:

NM_001375524.1(TRRAP):c.3746T>C (p.Val1249Ala)

Gene: TRRAP (transformation/transcription domain associated protein; plus strand). Cytogenetic location: 7q22.1.
Variant type: single nucleotide variant.
Coding change: c.3746T>C on transcript NM_001375524.1 (MANE Select); coding-DNA position 3746, T replaced by C.
Protein change: p.Val1249Ala; replaces valine 1249 with alanine.
Molecular consequence: missense variant.
Genome position (GRCh38, 1-based): chr7:98,931,559, T>C. VCF-style: chr7-98931559-T-C. GRCh37 (hg19) VCF-style: chr7-98529182-T-C.
Other names: c.3746T>C, p.Val1249Ala (NM_001244580.2, NM_003496.4); c.3746T>C (NM_001244580.1); short protein forms V1249A.
Identifiers: ClinVar variation 2963538 (VCV002963538.4), dbSNP rs782293175, ClinGen allele CA4360055.
Genomic context (GRCh38, chr7:98,931,559, plus strand): 5'-AGATCGTGGCCGCCCAGGAAAAGTCTTTCCACCATGTGACACACGACTTGGTTCGAGAAG[T>C]CACCTCTCCAAACTCCACTGTGAGGAAGCAGGCCATGCATTCGCTGCAGGTGTTGGCCCA-3'
Protein context (NP_001362453.1, residues 1239-1259): HHVTHDLVRE[Val1249Ala]TSPNSTVRKQ

ClinVar aggregate classification (germline): Uncertain significance. Review status: criteria provided, multiple submitters, no conflicts (2 of 4 stars). 2 submissions from 2 submitters: Uncertain significance (2). Last evaluated 2025-08-28.

Conditions:
Inborn genetic diseases. Identifiers: MedGen C0950123, MeSH D030342.

Allele frequency attached by ClinVar (database versions not stated): TOPMed below 0.00001; ExAC 0.00001.
gnomAD v4.1: 23 of 1,614,158 alleles (0.0014%); highest among the groups gnomAD compares: Non-Finnish European, 0.0019%; no homozygotes.

Submissions (2):

Ambry Genetics
Classification: Uncertain significance for Inborn genetic diseases. Last evaluated: 2025-08-28. Review status: criteria provided, single submitter. Criteria: Ambry Variant Classification Scheme 2023. Collection method: clinical testing. Allele origin: germline.

Labcorp Genetics (formerly Invitae), Labcorp
Classification: Uncertain significance. Last evaluated: 2023-12-27. Review status: criteria provided, single submitter. Criteria: Invitae Variant Classification Sherloc (09022015). Collection method: clinical testing. Allele origin: germline.
Comment: This sequence change replaces valine, which is neutral and non-polar, with alanine, which is neutral and non-polar, at codon 1249 of the TRRAP protein (p.Val1249Ala). This variant is present in population databases (rs782293175, gnomAD 0.003%). This variant has not been reported in the literature in individuals affected with TRRAP-related conditions. Advanced modeling of protein sequence and biophysical properties (such as structural, functional, and spatial information, amino acid conservation, physicochemical variation, residue mobility, and thermodynamic stability) performed at Invitae indicates that this missense variant is not expected to disrupt TRRAP protein function with a negative predictive value of 80%. In summary, the available evidence is currently insufficient to determine the role of this variant in disease. Therefore, it has been classified as a Variant of Uncertain Significance.